The following is an entry in ClinVar:

NM_004304.5(ALK):c.932G>A (p.Arg311His)

Gene: ALK (ALK receptor tyrosine kinase; minus strand). Cytogenetic location: 2p23.2.
Variant type: single nucleotide variant.
Coding change: c.932G>A on transcript NM_004304.5 (MANE Select); coding-DNA position 932, G replaced by A.
Protein change: p.Arg311His; replaces arginine 311 with histidine.
Molecular consequence: missense variant.
Genome position (GRCh38, 1-based): chr2:29,694,870, C>T on the plus strand (G>A on the coding strand, the complement: ALK is on the minus strand). VCF-style: chr2-29694870-C-T. GRCh37 (hg19) VCF-style: chr2-29917736-C-T.
Other names: short protein forms R311H.
Identifiers: ClinVar variation 133480 (VCV000133480.30), dbSNP rs150966028, ClinGen allele CA156656.

ClinVar aggregate classification (germline): Conflicting classifications of pathogenicity. Review status: criteria provided, conflicting classifications (1 of 4 stars). 13 submissions from 13 submitters: Uncertain significance (1); Benign (3); Likely benign (7). 2 of the submissions do not count toward it. Last evaluated 2026-07-01.

Conditions:
ALK-related disorder. Also called: ALK-related condition.
Hereditary cancer-predisposing syndrome. Also called: Neoplastic Syndromes, Hereditary; Tumor predisposition; Hereditary neoplastic syndrome; Hereditary Cancer Syndrome. Identifiers: Orphanet 140162, MedGen C0027672, MeSH D009386, MONDO:0015356.
Neuroblastoma, susceptibility to, 3. Also called: ALK-Related Neuroblastic Tumor Susceptibility. Identifiers: Orphanet 635, MedGen C2751681, MONDO:0013083, OMIM 613014.

Allele frequency attached by ClinVar (database versions not stated): 1000 Genomes Project 30x 0.00047; ExAC 0.00052; TOPMed 0.00058; gnomAD 0.00063; gnomAD exomes 0.00035 and 0.00045; 1000 Genomes Project 0.00040; ESP Exome Variant Server 0.00046.
gnomAD v4.1: 595 of 1,613,876 alleles (0.037%); highest among the groups gnomAD compares: South Asian, 0.12%; no homozygotes.

Submissions (13):

CeGaT Center for Human Genetics Tuebingen
Classification: Likely benign. Last evaluated: 2026-07-01. Review status: criteria provided, single submitter. Criteria: CeGaT Center For Human Genetics Tuebingen Variant Classification Criteria Version 2. Collection method: clinical testing. Allele origin: germline. Affected: yes. Observed: 1 variant allele.
Comment: ALK: BP4

Labcorp Genetics (formerly Invitae), Labcorp
Classification: Likely benign for Neuroblastoma, susceptibility to, 3. Last evaluated: 2026-02-02. Review status: criteria provided, single submitter. Criteria: Invitae Variant Classification Sherloc (09022015). Collection method: clinical testing. Allele origin: germline.

Dasa
Classification: Likely benign. Last evaluated: 2025-12-01. Review status: criteria provided, single submitter. Criteria: DASA Assertion Criteria. Collection method: clinical testing. Allele origin: germline.
Comment: NM_004304.5(ALK):c.932G>A (p.Arg311His) is a missense variant that results in the substitution of arginine with histidine. Multiple computational predictions suggest no deleterious effect on the gene or gene product. The variant is present at low frequency in population datasets. Based on the available data, this variant is classified as likely benign.

Women's Health and Genetics/Laboratory Corporation of America, LabCorp
Classification: Likely benign. Last evaluated: 2025-06-09. Review status: criteria provided, single submitter. Criteria: LabCorp Variant Classification Summary - May 2015. Collection method: clinical testing. Allele origin: germline.
Comment: Variant summary: ALK c.932G>A (p.Arg311His) results in a non-conservative amino acid change in the encoded protein sequence. Algorithms developed to predict the effect of missense changes on protein structure and function are either unavailable or do not agree on the potential impact of this missense change. The variant allele was found at a frequency of 0.00045 in 250836 control chromosomes, predominantly at a frequency of 0.001 within the African or African-American subpopulation in the gnomAD database. The observed variant frequency within African or African-American control individuals in the gnomAD database is approximately 2400 fold of the estimated maximal expected allele frequency for a pathogenic variant in ALK causing Neuroblastoma, Susceptibility Type 3 phenotype (4.2e-07). To our knowledge, no occurrence of c.932G>A in individuals affected with Neuroblastoma, Susceptibility Type 3 and no experimental evidence demonstrating its impact on protein function have been reported. The following publications have been ascertained in the context of this evaluation (PMID: 23202128, 27149842, 32984537, 31340200, 29654263, 28177947, 38662984, 26374070, 26669280, 28756644, 25054154, 30410351, 39315505, 37522200, 25344691, 24728327). ClinVar contains an entry for this variant (Variation ID: 133480). Based on the evidence outlined above, the variant was classified as likely benign.

Blueprint Genetics
Classification: Likely benign. Last evaluated: 2024-09-14. Review status: criteria provided, single submitter. Criteria: ACMG Guidelines, 2015. Collection method: clinical testing. Allele origin: germline.

Ambry Genetics
Classification: Benign for Hereditary cancer-predisposing syndrome. Last evaluated: 2024-06-25. Review status: criteria provided, single submitter. Criteria: Ambry Variant Classification Scheme 2023. Collection method: clinical testing. Allele origin: germline.

KCCC/NGS Laboratory, Kuwait Cancer Control Center
Classification: Benign for Neuroblastoma, susceptibility to, 3. Last evaluated: 2023-07-07. Review status: criteria provided, single submitter. Criteria: ACMG Guidelines, 2015. Collection method: clinical testing. Allele origin: germline. Affected: yes.

Sema4
Classification: Likely benign for Hereditary cancer-predisposing syndrome. Last evaluated: 2021-06-28. Review status: criteria provided, single submitter. Criteria: Sema4 Curation Guidelines. Collection method: curation. Allele origin: germline.

GeneDx
Classification: Uncertain significance. Last evaluated: 2020-03-18. Review status: criteria provided, single submitter. Criteria: GeneDx Variant Classification Process June 2021. Collection method: clinical testing. Allele origin: germline. Affected: yes.
Comment: In silico analysis supports that this missense variant does not alter protein structure/function; Identified in healthy individuals undergoing whole genome sequencing (Bodian 2014); This variant is associated with the following publications: (PMID: 30410351, 24728327)

Illumina Laboratory Services, Illumina
Classification: Likely benign for Neuroblastoma, susceptibility to, 3. Last evaluated: 2018-01-13. Review status: criteria provided, single submitter. Criteria: ICSL Variant Classification Criteria 13 December 2019. Collection method: clinical testing. Allele origin: germline.
Comment: This variant was observed in the ICSL laboratory as part of a predisposition screen in an ostensibly healthy population. It had not been previously curated by ICSL or reported in the Human Gene Mutation Database (HGMD: prior to June 1st, 2018), and was therefore a candidate for classification through an automated scoring system. Utilizing variant allele frequency, disease prevalence and penetrance estimates, and inheritance mode, an automated score was calculated to assess if this variant is too frequent to cause the disease. Based on the score and internal cut-off values, a variant classified as likely benign is not then subjected to further curation. The score for this variant resulted in a classification of likely benign for this disease.

Laboratory for Molecular Medicine, Mass General Brigham Personalized Medicine
Classification: Benign. Last evaluated: 2016-03-29. Review status: criteria provided, single submitter. Criteria: LMM Criteria. Collection method: clinical testing. Allele origin: germline.
Comment: Variant identified in a genome or exome case(s) and assessed due to predicted null impact of the variant or pathogenic assertions in the literature or databases. Disclaimer: This variant has not undergone full assessment. The following are preliminary notes: Frequency

PreventionGenetics, part of Exact Sciences
Classification: Likely benign for ALK-related condition. Last evaluated: 2020-07-01. Review status: no assertion criteria provided. Collection method: clinical testing. Allele origin: germline. Not counted in ClinVar's aggregate classification.
Comment: This variant is classified as likely benign based on ACMG/AMP sequence variant interpretation guidelines (Richards et al. 2015 PMID: 25741868, with internal and published modifications).

ITMI
No classification provided. Condition: AllHighlyPenetrant. Last evaluated: 2013-09-19. Review status: no classification provided. Collection method: reference population. Allele origin: germline. Not counted in ClinVar's aggregate classification.
Comment: Please see associated publication for description of ethnicities

Literature cited by the submitters: PubMed 24728327 (cited by Women's Health and Genetics/Laboratory Corporation of America, LabCorp and ITMI); PubMed 25344691 (cited by Women's Health and Genetics/Laboratory Corporation of America, LabCorp); PubMed 26374070 (cited by Women's Health and Genetics/Laboratory Corporation of America, LabCorp); PubMed 27149842 (cited by Women's Health and Genetics/Laboratory Corporation of America, LabCorp); PubMed 29654263 (cited by Women's Health and Genetics/Laboratory Corporation of America, LabCorp); PubMed 23202128 (cited by Women's Health and Genetics/Laboratory Corporation of America, LabCorp); PubMed 37522200 (cited by Women's Health and Genetics/Laboratory Corporation of America, LabCorp); PubMed 39315505 (cited by Women's Health and Genetics/Laboratory Corporation of America, LabCorp); PubMed 30410351 (cited by Women's Health and Genetics/Laboratory Corporation of America, LabCorp); PubMed 25054154 (cited by Women's Health and Genetics/Laboratory Corporation of America, LabCorp); PubMed 28756644 (cited by Women's Health and Genetics/Laboratory Corporation of America, LabCorp); PubMed 26669280 (cited by Women's Health and Genetics/Laboratory Corporation of America, LabCorp); PubMed 38662984 (cited by Women's Health and Genetics/Laboratory Corporation of America, LabCorp); PubMed 28177947 (cited by Women's Health and Genetics/Laboratory Corporation of America, LabCorp); PubMed 31340200 (cited by Women's Health and Genetics/Laboratory Corporation of America, LabCorp); PubMed 32984537 (cited by Women's Health and Genetics/Laboratory Corporation of America, LabCorp).